The following is an entry in ClinVar:

ClinVar aggregate classification (germline): Uncertain significance (1 of 4 stars; one submission).

Submission:

Labcorp Genetics (formerly Invitae), Labcorp
Classification: Uncertain significance. Last evaluated: 2022-12-09. Review status: criteria provided, single submitter. Criteria: Invitae Variant Classification Sherloc (09022015). Collection method: clinical testing. Allele origin: germline.
Comment: In summary, the available evidence is currently insufficient to determine the role of this variant in disease. Therefore, it has been classified as a Variant of Uncertain Significance. Algorithms developed to predict the effect of missense changes on protein structure and function (SIFT, PolyPhen-2, Align-GVGD) all suggest that this variant is likely to be tolerated. This variant has not been reported in the literature in individuals affected with CHRM2-related conditions. This variant is not present in population databases (gnomAD no frequency). This sequence change replaces valine, which is neutral and non-polar, with alanine, which is neutral and non-polar, at codon 231 of the CHRM2 protein (p.Val231Ala).

NM_001006630.2(CHRM2):c.692T>C (p.Val231Ala)

Genes: CHRM2 (cholinergic receptor muscarinic 2; plus strand), LOC349160 (uncharacterized LOC349160; minus strand). Cytogenetic location: 7q33.
Variant type: single nucleotide variant.
Coding change: c.692T>C on transcript NM_001006630.2 (MANE Select); coding-DNA position 692, T replaced by C.
Protein change: p.Val231Ala; replaces valine 231 with alanine.
Molecular consequence: missense variant.
Genome position (GRCh38, 1-based): chr7:137,015,557, T>C. VCF-style: chr7-137015557-T-C. GRCh37 (hg19) VCF-style: chr7-136700304-T-C.
Other names: c.692T>C, p.Val231Ala (NM_000739.3, NM_001006626.3, NM_001006627.3 and 6 more transcripts); short protein forms V231A.
Identifiers: ClinVar variation 1943171 (VCV001943171.5), dbSNP rs2536207305, ClinGen allele CA369487068.